The following is an entry in ClinVar:

ClinVar aggregate classification (germline): Uncertain significance. Review status: criteria provided, multiple submitters, no conflicts (2 of 4 stars). 2 submissions from 2 submitters: Uncertain significance (2). Last evaluated 2026-04-08.

Conditions:
Inborn genetic diseases. Identifiers: MedGen C0950123, MeSH D030342.
Congenital myasthenic syndrome 4A. Also called: Myasthenic syndrome, congenital, 4a, slow-channel; CONGENITAL MYASTHENIC SYNDROME TYPE Ia1; MYASTHENIC SYNDROME, CONGENITAL, 4A, SLOW-CHANNEL, AUTOSOMAL RECESSIVE. Identifiers: Orphanet 590, MedGen C4225413, MONDO:0011600, OMIM 605809.

Allele frequency attached by ClinVar (database versions not stated): gnomAD exomes below 0.00001; gnomAD 0.00002; TOPMed 0.00001.
gnomAD v4.1: 4 of 1,613,700 alleles (0.00025%); highest among the groups gnomAD compares: African/African-American, 0.0053%; no homozygotes.

Submissions (2):

Ambry Genetics
Classification: Uncertain significance for Inborn genetic diseases. Last evaluated: 2026-04-08. Review status: criteria provided, single submitter. Criteria: Ambry Variant Classification Scheme 2023. Collection method: clinical testing. Allele origin: germline.
Comment: The c.329T>C (p.I110T) alteration is located in exon 4 (coding exon 4) of the CHRNE gene. This alteration results from a T to C substitution at nucleotide position 329, causing the isoleucine (I) at amino acid position 110 to be replaced by a threonine (T). Based on data from gnomAD, the C allele has an overall frequency of 0.01% (3/31320) total alleles studied. The highest observed frequency was 0.035% (3/8702) of African alleles. Based on insufficient or conflicting evidence, the clinical significance of this alteration remains unclear.

Labcorp Genetics (formerly Invitae), Labcorp
Classification: Uncertain significance for Congenital myasthenic syndrome 4A. Last evaluated: 2024-11-18. Review status: criteria provided, single submitter. Criteria: Invitae Variant Classification Sherloc (09022015). Collection method: clinical testing. Allele origin: germline.
Comment: This sequence change replaces isoleucine, which is neutral and non-polar, with threonine, which is neutral and polar, at codon 110 of the CHRNE protein (p.Ile110Thr). This variant is present in population databases (no rsID available, gnomAD 0.03%). This variant has not been reported in the literature in individuals affected with CHRNE-related conditions. ClinVar contains an entry for this variant (Variation ID: 1014544). Invitae Evidence Modeling of protein sequence and biophysical properties (such as structural, functional, and spatial information, amino acid conservation, physicochemical variation, residue mobility, and thermodynamic stability) has been performed for this missense variant. However, the output from this modeling did not meet the statistical confidence thresholds required to predict the impact of this variant on CHRNE protein function. In summary, the available evidence is currently insufficient to determine the role of this variant in disease. Therefore, it has been classified as a Variant of Uncertain Significance.

NM_000080.4(CHRNE):c.329T>C (p.Ile110Thr)

Genes: C17orf107 (chromosome 17 open reading frame 107; plus strand), CHRNE (cholinergic receptor nicotinic epsilon subunit; minus strand). Cytogenetic location: 17p13.2.
Variant type: single nucleotide variant.
Coding change: c.329T>C on transcript NM_000080.4 (MANE Select); coding-DNA position 329, T replaced by C.
Protein change: p.Ile110Thr; replaces isoleucine 110 with threonine.
Molecular consequence: missense variant. On other transcripts: 3 prime UTR variant (1).
Genome position (GRCh38, 1-based): chr17:4,902,232, A>G on the plus strand (T>C on the coding strand, the complement: CHRNE is on the minus strand). VCF-style: chr17-4902232-A-G. GRCh37 (hg19) VCF-style: chr17-4805527-A-G.
Other names: c.329T>C (NM_000080.3); c.*1699A>G (NM_001145536.2); short protein forms I110T.
Identifiers: ClinVar variation 1014544 (VCV001014544.9), dbSNP rs1276426047, ClinGen allele CA397306492.
Genomic context (GRCh38, chr17:4,902,232, plus strand): 5'-CCCAGGCCGGCTTCCCTCCAGCCTGGCGTCTGGCCCGGTTCTCACTTGTTTTCCAGCACA[A>G]TCTCTGGCAGCCACACGAGTTCTGAAGGGACTCGCAGGGTTTCTATACCCCCAAAGTCGT-3'
Protein context (NP_000071.1, residues 100-120): VPSELVWLPE[Ile110Thr]VLENNIDGQF